The following is an entry in ClinVar:

ClinVar aggregate classification (germline): Uncertain significance (1 of 4 stars; one submission).

gnomAD v4.1: 1 of 1,612,714 alleles (0.000062%); highest among the groups gnomAD compares: Non-Finnish European, 0.000085%; no homozygotes.

Submission:

GeneDx
Classification: Uncertain significance. Last evaluated: 2026-02-16. Review status: criteria provided, single submitter. Criteria: GeneDx Variant Classification Process June 2021. Collection method: clinical testing. Allele origin: germline.
Comment: Not observed at significant frequency in large population cohorts (gnomAD); In silico analysis suggests that this missense variant does not alter protein structure/function; Has not been previously published as pathogenic or benign to our knowledge

NM_001367873.1(SOX6):c.1726G>A (p.Ala576Thr)

Gene: SOX6 (SRY-box transcription factor 6; minus strand). Cytogenetic location: 11p15.2.
Variant type: single nucleotide variant.
Coding change: c.1726G>A on transcript NM_001367873.1 (MANE Select); coding-DNA position 1726, G replaced by A.
Protein change: p.Ala576Thr; replaces alanine 576 with threonine.
Molecular consequence: missense variant.
Genome position (GRCh38, 1-based): chr11:16,014,948, C>T on the plus strand (G>A on the coding strand, the complement: SOX6 is on the minus strand). VCF-style: chr11-16014948-C-T. GRCh37 (hg19) VCF-style: chr11-16036494-C-T.
Other names: c.1645G>A, p.Ala549Thr (NM_001145811.2, NM_017508.3); c.1726G>A, p.Ala576Thr (NM_001145819.2, NM_033326.3); c.1603G>A, p.Ala535Thr (NM_001367872.1); short protein forms A535T, A549T, A576T.
Identifiers: ClinVar variation 4975146 (VCV004975146.1).
Genomic context (GRCh38, chr11:16,014,948, plus strand): 5'-ACACATTTGGAAACACATGGAGCAGCAGAAAAGAACTAGAGAAAAGCCACTCACCCTCTG[C>T]ATCTTCTGGCCGAGTAAGGTCGATGACACCTGGGCCCAGTTTTCCATCTTCATTTGACTT-3'
Protein context (NP_001354802.1, residues 566-586): GVIDLTRPED[Ala576Thr]EGSKAMNGSA